The following is an entry in ClinVar:

NM_007126.5(VCP):c.1343C>T (p.Thr448Ile)

Gene: VCP (valosin containing protein; minus strand). Cytogenetic location: 9p13.3.
Variant type: single nucleotide variant.
Coding change: c.1343C>T on transcript NM_007126.5 (MANE Select); coding-DNA position 1343, C replaced by T.
Protein change: p.Thr448Ile; replaces threonine 448 with isoleucine.
Molecular consequence: missense variant.
Genome position (GRCh38, 1-based): chr9:35,061,031, G>A on the plus strand (C>T on the coding strand, the complement: VCP is on the minus strand). VCF-style: chr9-35061031-G-A. GRCh37 (hg19) VCF-style: chr9-35061028-G-A.
Other names: c.1208C>T, p.Thr403Ile (NM_001354927.2, NM_001354928.2); short protein forms T403I, T448I.
Identifiers: ClinVar variation 3752995 (VCV003752995.2).

ClinVar aggregate classification (germline): Uncertain significance (1 of 4 stars; one submission).

Conditions:
Frontotemporal dementia and/or amyotrophic lateral sclerosis 6 (FTDALS6). Also called: VCP-Related Amyotrophic Lateral Sclerosis; VCP-Related Amyotrophic Lateral Sclerosis/Frontotemporal Dementia. Identifiers: Orphanet 275872, Orphanet 803, MedGen C5436279, MONDO:0013501, OMIM 613954.
Inclusion body myopathy with Paget disease of bone and frontotemporal dementia. Also called: Inclusion body myopathy with early-onset Paget disease and frontotemporal dementia. Identifiers: Orphanet 52430, MedGen C1833662, MONDO:0000507.

Submission:

Labcorp Genetics (formerly Invitae), Labcorp
Classification: Uncertain significance for Inclusion body myopathy with Paget disease of bone and frontotemporal dementia; Frontotemporal dementia and/or amyotrophic lateral sclerosis 6. Last evaluated: 2024-11-12. Review status: criteria provided, single submitter. Criteria: Invitae Variant Classification Sherloc (09022015). Collection method: clinical testing. Allele origin: germline.
Comment: This sequence change replaces threonine, which is neutral and polar, with isoleucine, which is neutral and non-polar, at codon 448 of the VCP protein (p.Thr448Ile). This variant is not present in population databases (gnomAD no frequency). This variant has not been reported in the literature in individuals affected with VCP-related conditions. Invitae Evidence Modeling of protein sequence and biophysical properties (such as structural, functional, and spatial information, amino acid conservation, physicochemical variation, residue mobility, and thermodynamic stability) indicates that this missense variant is not expected to disrupt VCP protein function with a negative predictive value of 80%. In summary, the available evidence is currently insufficient to determine the role of this variant in disease. Therefore, it has been classified as a Variant of Uncertain Significance.